The following is an entry in ClinVar:

ClinVar aggregate classification (germline): Pathogenic. Review status: criteria provided, single submitter (1 of 4 stars). 2 submissions from 2 submitters: Pathogenic (1). 1 of the submissions does not count toward it.

Conditions:
Tooth agenesis, selective, 3 (STHAG3). Also called: HYPODONTIA/OLIGODONTIA 3. Identifiers: Orphanet 99798, MedGen C1970291, MONDO:0011477, OMIM 604625. Disease mechanism: loss of function.

Submissions (2):

Center of Excellence in Precision Medicine and Digital Health (CEPMDH), Faculty of Dentistry, Chulalongkorn University
Classification: Pathogenic for Tooth agenesis, selective, 3. Review status: criteria provided, single submitter. Criteria: ACMG Guidelines, 2015. Collection method: clinical testing. Allele origin: maternal. Inheritance: Autosomal dominant inheritance. Affected: yes. Observed: 1 variant allele, 1 heterozygote.

Maesawa Lab, Iwate Medical University
Classification: Pathogenic for Tooth agenesis, selective, 3. Last evaluated: 2017-01-18. Review status: no assertion criteria provided. Collection method: research. Allele origin: germline. Inheritance: Autosomal dominant inheritance. Affected: yes. Observed: 3 variant alleles, 3 heterozygotes. Clinical features observed: Tooth agenesis. Not counted in ClinVar's aggregate classification.
Comment: The variant co-segregates with tooth agenesis in a family (3 affected, 1 unaffected). The Polyphen-2 score is 1.0 (probably damaging). In vitro experiment confirmed a functional defect of the variant protein.

Literature cited by the submitters: PubMed 29023497 (cited by Maesawa Lab, Iwate Medical University).

NM_001372076.1(PAX9):c.59C>T (p.Pro20Leu)

Gene: PAX9 (paired box 9; plus strand). Cytogenetic location: 14q13.3.
Variant type: single nucleotide variant.
Coding change: c.59C>T on transcript NM_001372076.1 (MANE Select); coding-DNA position 59, C replaced by T.
Protein change: p.Pro20Leu; replaces proline 20 with leucine.
Molecular consequence: missense variant.
Genome position (GRCh38, 1-based): chr14:36,662,951, C>T. VCF-style: chr14-36662951-C-T. GRCh37 (hg19) VCF-style: chr14-37132156-C-T.
Other names: c.59C>T, p.Pro20Leu (NM_006194.4); short protein forms P20L.
Identifiers: ClinVar variation 375454 (VCV000375454.4), dbSNP rs1555316697, ClinGen allele CA389466032.